The following is an entry in ClinVar:

ClinVar aggregate classification (germline): Uncertain significance (1 of 4 stars; one submission).

Conditions:
Baller-Gerold syndrome (BGS). Also called: CRANIOSYNOSTOSIS WITH RADIAL DEFECTS. Identifiers: Orphanet 1225, MedGen C0265308, MONDO:0009039, OMIM 218600.

Submission:

Labcorp Genetics (formerly Invitae), Labcorp
Classification: Uncertain significance for Baller-Gerold syndrome. Last evaluated: 2020-02-10. Review status: criteria provided, single submitter. Criteria: Invitae Variant Classification Sherloc (09022015). Collection method: clinical testing. Allele origin: germline.
Comment: This sequence change replaces aspartic acid with asparagine at codon 1042 of the RECQL4 protein (p.Asp1042Asn). The aspartic acid residue is highly conserved and there is a small physicochemical difference between aspartic acid and asparagine. This variant is not present in population databases (ExAC no frequency). This variant has not been reported in the literature in individuals with RECQL4-related conditions. Experimental studies and prediction algorithms are not available or were not evaluated, and the functional significance of this variant is currently unknown. In summary, the available evidence is currently insufficient to determine the role of this variant in disease. Therefore, it has been classified as a Variant of Uncertain Significance.

NM_004260.4(RECQL4):c.3123_3124delinsAA (p.Asp1042Asn)

Gene: RECQL4 (RecQ like helicase 4; minus strand). Cytogenetic location: 8q24.3.
Variant type: Indel.
Coding change: c.3123_3124delinsAA on transcript NM_004260.4 (MANE Select); coding-DNA positions 3123 to 3124, GG replaced by AA.
Protein change: p.Asp1042Asn; replaces aspartic acid 1042 with asparagine.
Molecular consequence: missense variant.
Genome position (GRCh38, 1-based): chr8:144,512,256-144,512,257, CC replaced by TT on the plus strand (GG replaced by AA on the coding strand, the reverse complement: RECQL4 is on the minus strand). VCF-style: chr8-144512256-CC-TT. GRCh37 (hg19) VCF-style: chr8-145737639-CC-TT.
Other names: short protein forms D1042N.
Identifiers: ClinVar variation 1034777 (VCV001034777.3), dbSNP rs1827384886, ClinGen allele CA1826365762.